The following is an entry in ClinVar:

ClinVar aggregate classification (germline): Benign/Likely benign. Review status: criteria provided, multiple submitters, no conflicts (2 of 4 stars). 10 submissions from 10 submitters: Benign (5); Likely benign (5). Last evaluated 2026-09-01.

Conditions:
Congenital myasthenic syndrome (CMS). Also called: Congenital Myasthenic Syndromes. Identifiers: Orphanet 590, MedGen C0751882, MeSH D020294, MONDO:0018940.
Lethal multiple pterygium syndrome (LMPS). Identifiers: Orphanet 33108, MedGen C1854678, MONDO:0009668, OMIM 253290.

Allele frequency attached by ClinVar (database versions not stated): 1000 Genomes Project 0.00040; 1000 Genomes Project 30x 0.00062; gnomAD 0.00233 and 0.00239; TOPMed 0.00236; ExAC 0.00252; gnomAD exomes 0.00265 and 0.00318; ESP Exome Variant Server 0.00384.

Submissions (10):

CeGaT Center for Human Genetics Tuebingen
Classification: Likely benign. Last evaluated: 2026-09-01. Review status: criteria provided, single submitter. Criteria: CeGaT Center For Human Genetics Tuebingen Variant Classification Criteria Version 2. Collection method: clinical testing. Allele origin: germline. Affected: yes. Observed: 5 variant alleles.
Comment: CHRND: BS2

Labcorp Genetics (formerly Invitae), Labcorp
Classification: Benign for Lethal multiple pterygium syndrome. Last evaluated: 2026-02-01. Review status: criteria provided, single submitter. Criteria: Invitae Variant Classification Sherloc (09022015). Collection method: clinical testing. Allele origin: germline.

Blueprint Genetics
Classification: Likely benign. Last evaluated: 2024-11-26. Review status: criteria provided, single submitter. Criteria: ACMG Guidelines, 2015. Collection method: clinical testing. Allele origin: germline.

Mayo Clinic Laboratories, Mayo Clinic
Classification: Benign. Last evaluated: 2024-08-21. Review status: criteria provided, single submitter. Criteria: ACMG Guidelines, 2015. Collection method: clinical testing. Allele origin: germline. Observed: 2 variant alleles.
Comment: BA1

Mendelics
Classification: Benign for Lethal multiple pterygium syndrome. Last evaluated: 2019-05-28. Review status: criteria provided, single submitter. Criteria: Mendelics Assertion Criteria 2017. Collection method: clinical testing. Allele origin: unknown.

Athena Diagnostics
Classification: Benign. Last evaluated: 2018-10-25. Review status: criteria provided, single submitter. Criteria: Athena Diagnostics Criteria. Collection method: clinical testing. Allele origin: germline.

Illumina Laboratory Services, Illumina
Classification: Likely benign for Congenital myasthenic syndrome. Last evaluated: 2017-04-27. Review status: criteria provided, single submitter. Criteria: ICSL Variant Classification Criteria 13 December 2019. Collection method: clinical testing. Allele origin: germline.
Comment: This variant was observed as part of a predisposition screen in an ostensibly healthy population. A literature search was performed for the gene, cDNA change, and amino acid change (where applicable). No publications were found based on this search. Allele frequency data from public databases allowed determination this variant is unlikely to cause disease. Therefore, this variant is classified as likely benign.

Eurofins Ntd Llc (ga)
Classification: Likely benign. Last evaluated: 2015-04-17. Review status: criteria provided, single submitter. Criteria: EGL Classification Definitions 2015. Collection method: clinical testing. Allele origin: germline. Observed: 2 variant alleles, 2 heterozygotes.

Center for Pediatric Genomic Medicine, Children's Mercy Hospital and Clinics
Classification: Benign. Last evaluated: 2015-03-20. Review status: criteria provided, single submitter. Criteria: ACMG Guidelines, 2015. Collection method: clinical testing. Allele origin: germline.

PreventionGenetics, part of Exact Sciences
Classification: Likely benign. Review status: criteria provided, single submitter. Criteria: ACMG Guidelines, 2015. Collection method: clinical testing. Allele origin: germline.

Literature cited by the submitters: PubMed 34426522 (cited by Mayo Clinic Laboratories, Mayo Clinic); PubMed 8872460 (cited by Mayo Clinic Laboratories, Mayo Clinic and Athena Diagnostics).

NM_000751.3(CHRND):c.862C>G (p.Gln288Glu)

Gene: CHRND (cholinergic receptor nicotinic delta subunit; plus strand). Cytogenetic location: 2q37.1.
Variant type: single nucleotide variant.
Coding change: c.862C>G on transcript NM_000751.3 (MANE Select); coding-DNA position 862, C replaced by G.
Protein change: p.Gln288Glu; replaces glutamine 288 with glutamic acid.
Molecular consequence: missense variant.
Genome position (GRCh38, 1-based): chr2:232,531,393, C>G. VCF-style: chr2-232531393-C-G. GRCh37 (hg19) VCF-style: chr2-233396103-C-G.
Other names: c.817C>G, p.Gln273Glu (NM_001256657.2); c.280C>G, p.Gln94Glu (NM_001311195.2); c.559C>G, p.Gln187Glu (NM_001311196.2); short protein forms Q288E, Q273E, Q94E, Q187E.
Identifiers: ClinVar variation 198749 (VCV000198749.67), dbSNP rs41265127, ClinGen allele CA203587.